The following is an entry in ClinVar:

NM_014652.4(IPO13):c.731A>T (p.Gln244Leu)

Gene: IPO13 (importin 13; plus strand). Cytogenetic location: 1p34.1.
Variant type: single nucleotide variant.
Coding change: c.731A>T on transcript NM_014652.4 (MANE Select); coding-DNA position 731, A replaced by T.
Protein change: p.Gln244Leu; replaces glutamine 244 with leucine.
Molecular consequence: missense variant.
Genome position (GRCh38, 1-based): chr1:43,950,063, A>T. VCF-style: chr1-43950063-A-T. GRCh37 (hg19) VCF-style: chr1-44415735-A-T.
Other names: short protein forms Q244L.
Identifiers: ClinVar variation 3049846 (VCV003049846.2), dbSNP rs139063607, ClinGen allele CA815180.

ClinVar aggregate classification (germline): Likely benign (0 of 4 stars; one submission).

Conditions:
IPO13-related disorder. Also called: IPO13-related condition.

Allele frequency attached by ClinVar (database versions not stated): 1000 Genomes Project 30x 0.00031; 1000 Genomes Project 0.00040; ExAC 0.00115; TOPMed 0.00121; gnomAD 0.00139; ESP Exome Variant Server 0.00231; gnomAD exomes 0.00251.
gnomAD v4.1: 3,821 of 1,613,894 alleles (0.24%); highest among the groups gnomAD compares: Non-Finnish European, 0.31%; 6 homozygotes.

Submission:

PreventionGenetics, part of Exact Sciences
Classification: Likely benign for IPO13-related condition. Last evaluated: 2023-04-27. Review status: no assertion criteria provided. Collection method: clinical testing. Allele origin: germline.
Comment: This variant is classified as likely benign based on ACMG/AMP sequence variant interpretation guidelines (Richards et al. 2015 PMID: 25741868, with internal and published modifications).